The following is an entry in ClinVar:

ClinVar aggregate classification (germline): Uncertain significance (1 of 4 stars; one submission).

Conditions:
Cognitive impairment - coarse facies - heart defects - obesity - pulmonary involvement - short stature - skeletal dysplasia syndrome. Also called: COGNITIVE IMPAIRMENT, COARSE FACIES, HEART DEFECTS, OBESITY, PULMONARY INVOLVEMENT, SHORT STATURE, AND SKELETAL DYSPLASIA; Chops syndrome; AFF4-Related CHOPS Syndrome. Identifiers: Orphanet 444077, MedGen C4085597, MONDO:0014609, OMIM 616368.

Allele frequency attached by ClinVar (database versions not stated): gnomAD exomes below 0.00001; TOPMed below 0.00001.

Submission:

New York Genome Center
Classification: Uncertain significance for Cognitive impairment - coarse facies - heart defects - obesity - pulmonary involvement - short stature - skeletal dysplasia syndrome. Last evaluated: 2021-09-08. Review status: criteria provided, single submitter. Criteria: NYGC Assertion Criteria 2020. Collection method: clinical testing. Allele origin: germline. Observed: 1 heterozygote. Study: CSER-NYCKidSeq.
Comment: The c.2144T>C (p.Ile715Thr) variant identified in the AFF4 gene substitutes a well conserved Isoleucine for Threonine at amino acid 715/1164 (exon11/21). This variant is found with low frequency in gnomAD(v2.1.1) (2 heterozygotes, 0 homozygotes; allele frequency: 7.07e-6) suggesting it is not a common benign variant in the populations represented in that database. In silico algorithms predict this variant to be Damaging (SIFT; score:0.047) and Benign (REVEL; score:0.3779)to the function of the canonical transcript. This variant is absent from ClinVar and to our current knowledge has not been reported in affected individuals in the literature. The p.Ile715 residue is not within a mapped domain of AFF4 (UniProtKB:Q9UHB7), and is C-terminal to the ALF homology domain where most pathogenic variants are reported. Given the lack of compelling evidence for its pathogenicity the c.2144T>C (p.Ile715Thr) variant identified in the AFF4 gene is reported as a Variant of Uncertain Significance.

NM_014423.4(AFF4):c.2144T>C (p.Ile715Thr)

Gene: AFF4 (ALF transcription elongation factor 4; minus strand). Cytogenetic location: 5q31.1.
Variant type: single nucleotide variant.
Coding change: c.2144T>C on transcript NM_014423.4 (MANE Select); coding-DNA position 2144, T replaced by C.
Protein change: p.Ile715Thr; replaces isoleucine 715 with threonine.
Molecular consequence: missense variant.
Genome position (GRCh38, 1-based): chr5:132,896,486, A>G on the plus strand (T>C on the coding strand, the complement: AFF4 is on the minus strand). VCF-style: chr5-132896486-A-G. GRCh37 (hg19) VCF-style: chr5-132232178-A-G.
Other names: short protein forms I715T.
Identifiers: ClinVar variation 1701619 (VCV001701619.1), dbSNP rs755145233, ClinGen allele CA127273255.